The following is an entry in ClinVar:

NM_002184.4(IL6ST):c.1276C>T (p.Pro426Ser)

Gene: IL6ST (interleukin 6 cytokine family signal transducer; minus strand). Cytogenetic location: 5q11.2.
Variant type: single nucleotide variant.
Coding change: c.1276C>T on transcript NM_002184.4 (MANE Select); coding-DNA position 1276, C replaced by T.
Protein change: p.Pro426Ser; replaces proline 426 with serine.
Molecular consequence: missense variant. On other transcripts: 3 prime UTR variant (1), non-coding transcript variant (2), intron variant (1).
Genome position (GRCh38, 1-based): chr5:55,954,984, G>A on the plus strand (C>T on the coding strand, the complement: IL6ST is on the minus strand). VCF-style: chr5-55954984-G-A. GRCh37 (hg19) VCF-style: chr5-55250812-G-A.
Other names: c.1276C>T (NM_002184.3); c.1276C>T, p.Pro426Ser (NM_001364275.2); c.1066C>T, p.Pro356Ser (NM_001364276.2); c.409C>T, p.Pro137Ser (NM_001364277.2); c.373C>T, p.Pro125Ser (NM_001364278.2); c.280C>T, p.Pro94Ser (NM_001364279.2); c.*203C>T (NM_175767.3); c.1267+1041C>T (NM_001190981.2); short protein forms P125S, P137S, P356S, P426S, P94S.
Identifiers: ClinVar variation 1014677 (VCV001014677.10), dbSNP rs199939306, ClinGen allele CA3271452.

ClinVar aggregate classification (germline): Uncertain significance. Review status: criteria provided, multiple submitters, no conflicts (2 of 4 stars). 2 submissions from 2 submitters: Uncertain significance (2). Last evaluated 2026-01-14.

Conditions:
IL6ST-related disorder. Also called: IL6ST-related condition.

Allele frequency attached by ClinVar (database versions not stated): gnomAD 0.00002 and 0.00003; gnomAD exomes 0.00002 and 0.00006; ExAC 0.00005; TOPMed 0.00011; 1000 Genomes Project 0.00020; 1000 Genomes Project 30x 0.00031.
gnomAD v4.1: 44 of 1,588,040 alleles (0.0028%); highest among the groups gnomAD compares: Admixed American, 0.013%; no homozygotes.

Submissions (2):

PreventionGenetics, part of Exact Sciences
Classification: Uncertain significance for IL6ST-related condition. Last evaluated: 2026-01-14. Review status: criteria provided, single submitter. Criteria: ACMG Guidelines, 2015. Collection method: clinical testing. Allele origin: germline.
Comment: The IL6ST c.1276C>T variant is predicted to result in the amino acid substitution p.Pro426Ser. This variant has been reported in at least one individual with chronic lymphocytic leukemia (CLL) (Supplemental Table 2, Mosquera Orgueira et al. 2021. PubMed ID: 33809641). This variant is reported in 0.021% of alleles in individuals of Latino descent in gnomAD. At this time, the clinical significance of this variant is uncertain due to the absence of conclusive functional and genetic evidence.

Labcorp Genetics (formerly Invitae), Labcorp
Classification: Uncertain significance. Last evaluated: 2025-03-29. Review status: criteria provided, single submitter. Criteria: Invitae Variant Classification Sherloc (09022015). Collection method: clinical testing. Allele origin: germline.
Comment: This sequence change replaces proline, which is neutral and non-polar, with serine, which is neutral and polar, at codon 426 of the IL6ST protein (p.Pro426Ser). This variant is present in population databases (rs199939306, gnomAD 0.02%). This variant has not been reported in the literature in individuals affected with IL6ST-related conditions. ClinVar contains an entry for this variant (Variation ID: 1014677). An algorithm developed to predict the effect of missense changes on protein structure and function (PolyPhen-2) suggests that this variant is likely to be tolerated. In summary, the available evidence is currently insufficient to determine the role of this variant in disease. Therefore, it has been classified as a Variant of Uncertain Significance.